The following is an entry in ClinVar:

NM_016648.4(LARP7):c.1141_1142dup (p.Ser382fs)

Genes: LARP7 (La ribonucleoprotein 7, transcriptional regulator; plus strand), MIR302CHG (miR-302/367 cluster host gene; minus strand). Cytogenetic location: 4q25.
Variant type: Duplication.
Coding change: c.1141_1142dup on transcript NM_016648.4 (MANE Select); coding-DNA positions 1141 to 1142, 2 bases duplicated (AA; older notation c.1141_1142dupAA).
Protein change: p.Ser382fs; shifts the reading frame from serine 382.
Molecular consequence: frameshift variant.
Genome position (GRCh38, 1-based): chr4:112,647,833-112,647,834, AA duplicated; duplicating any 2 consecutive bases within chr4:112,647,832-112,647,834 gives the same sequence; the c. name uses the placement nearest the transcript's 3' end. VCF-style (leftmost placement, unchanged base first): chr4-112647831-C-CAA. GRCh37 (hg19) VCF-style: chr4-113568987-C-CAA.
Other names: c.1141_1142dup, p.Ser382fs (NM_001267039.4, NM_001370978.1, NM_015454.3); c.1180_1181dup, p.Ser395fs (NM_001370974.1, NM_001370975.1); c.1177_1178dup, p.Ser394fs (NM_001370976.1, NM_001370977.1); c.1138_1139dup, p.Ser381fs (NM_001370979.1, NM_001370980.1); c.904_905dup, p.Ser303fs (NM_001370981.1, NM_001370982.1); c.1141_1142dupAA (NM_016648.4); short protein forms S303fs, S381fs, S382fs, S394fs, S395fs.
Identifiers: ClinVar variation 3339690 (VCV003339690.1).

ClinVar aggregate classification (germline): Pathogenic (1 of 4 stars; one submission).

Conditions:
Microcephalic primordial dwarfism, Alazami type. Also called: FACIAL DYSMORPHISM, INTELLECTUAL DISABILITY, AND PRIMORDIAL DWARFISM; Alazami syndrome. Identifiers: Orphanet 319671, MedGen C3554439, MONDO:0014031, OMIM 615071.

Submission:

Women's Health and Genetics/Laboratory Corporation of America, LabCorp
Classification: Pathogenic for Microcephalic primordial dwarfism, Alazami type. Last evaluated: 2024-06-07. Review status: criteria provided, single submitter. Criteria: LabCorp Variant Classification Summary - May 2015. Collection method: clinical testing. Allele origin: germline.
Comment: Variant summary: LARP7 c.1141_1142dupAA (p.Ser382ArgfsX7) results in a premature termination codon, predicted to cause absence of the protein due to nonsense mediated decay, which is a commonly known mechanism for disease. The variant was absent in 250572 control chromosomes. To our knowledge, no occurrence of c.1141_1142dupAA in individuals affected with Microcephalic Primordial Dwarfism, Alazami Type and no experimental evidence demonstrating its impact on protein function have been reported. No submitters have cited clinical-significance assessments for this variant to ClinVar. Based on the evidence outlined above, the variant was classified as pathogenic.